The following is an entry in ClinVar:

ClinVar aggregate classification (germline): Likely pathogenic. Review status: reviewed by expert panel (3 of 4 stars). 8 submissions from 8 submitters: Likely pathogenic (1). 7 of the submissions do not count toward it. Last evaluated 2026-02-06.

Conditions:
Maturity-onset diabetes of the young (MODY). Also called: Maturity onset diabetes mellitus in young. Identifiers: Orphanet 552, MedGen C0342276, MONDO:0018911, HP:0004904.
HNF1A-related disorder. Also called: HNF1A-related condition.
Monogenic diabetes. Identifiers: Orphanet 183625, MedGen C3888631, MONDO:0015967.
Maturity-onset diabetes of the young type 3. Also called: MODY, type III; MODY type 3. Identifiers: Orphanet 552, MedGen C1838100, MeSH C563933, MONDO:0010894, OMIM 600496. Disease mechanism: loss of function.

Allele frequency attached by ClinVar (database versions not stated): TOPMed 0.00001; gnomAD 0.00001.

Submissions (8):

ClinGen Monogenic Diabetes Variant Curation Expert Panel
Classification: Likely pathogenic for Monogenic diabetes. Last evaluated: 2026-02-06. Review status: reviewed by expert panel. Criteria: ClinGen Diabetes ACMG Specifications HNF1A V3.1.0. Collection method: curation. Allele origin: germline. Inheritance: Autosomal dominant inheritance.
Comment: The c.626C>A variant in the HNF1 homeobox A gene, HNF1A, causes an amino acid change of alanine to glutamic acid at codon 209 (p.(Ala209Glu)) of NM_000545.8. This variant is located within a conserved region of the DNA binding domain (codons 107-174 and 201-280) of HNF1A, which is defined as critical for the protein’s function by the ClinGen MDEP (PM1_Supporting). It is also predicted to be deleterious by computational evidence, with a REVEL score of 0.822, which is greater than the MDEP VCEP threshold of 0.70 (PP3). This variant is absent in gnomAD v4.1.0 (PM2_Supporting), and was identified in six unrelated individuals with non- autoimmune and non-absolute/near-absolute insulin-deficient diabetes (PS4_Moderate; internal lab contributors). One of these individuals has a clinical history highly specific for HNF1A-MODY (MODY probability calculator result >50%, negative genetic testing for HNF4A) (PP4; internal lab contributor). In summary, c.626C>A meets the criteria to be classified as likely pathogenic for monogenic diabetes. ACMG/AMP criteria applied, as specified by the ClinGen MDEP (specification version 3.1.0, approved 10/10/2025): PS4_Moderate, PP3, PP4, PM1_Supporting, PM2_Supporting.

GeneDx
Classification: Likely pathogenic. Last evaluated: 2026-09-08. Review status: criteria provided, single submitter. Criteria: GeneDx Variant Classification Process June 2021. Collection method: clinical testing. Allele origin: germline. Not counted in ClinVar's aggregate classification.
Comment: Reported in a patient with a clinical diagnosis or suspicion of MODY in published literature (PMID: 36257325); Not observed at significant frequency in large population cohorts (gnomAD); In silico analysis supports that this missense variant has a deleterious effect on protein structure/function; This variant is associated with the following publications: (PMID: 36257325)

PreventionGenetics, part of Exact Sciences
Classification: Likely pathogenic for HNF1A-related condition. Last evaluated: 2026-03-18. Review status: criteria provided, single submitter. Criteria: ACMG Guidelines, 2015. Collection method: clinical testing. Allele origin: germline. Not counted in ClinVar's aggregate classification.
Comment: The HNF1A c.626C>A variant is predicted to result in the amino acid substitution p.Ala209Glu. This variant was reported in at least one individual with maturity onset diabetes of the young as well as study participants with or without type 2 diabetes (Supplementary Table 10, Bonnefond et al. 2020. PubMed ID: 33046911; Table S3, Mirshahi et al. 2022. PubMed ID: 36257325). This variant has not been reported in a large population database, indicating it is rare. In ClinVar, it has conflicting interpretations ranging from uncertain to pathogenic, including likely pathogenic classification by the ClinGen Monogenic Diabetes Variant Curation Expert Panel. This variant is interpreted as likely pathogenic.

Labcorp Genetics (formerly Invitae), Labcorp
Classification: Pathogenic. Last evaluated: 2024-02-08. Review status: criteria provided, single submitter. Criteria: Invitae Variant Classification Sherloc (09022015). Collection method: clinical testing. Allele origin: germline. Not counted in ClinVar's aggregate classification.
Comment: This sequence change replaces alanine, which is neutral and non-polar, with glutamic acid, which is acidic and polar, at codon 209 of the HNF1A protein (p.Ala209Glu). This variant is not present in population databases (gnomAD no frequency). This missense change has been observed in individuals with maturity-onset diabetes of the young (PMID: 33046911; Invitae; external communication). ClinVar contains an entry for this variant (Variation ID: 586794). Advanced modeling of protein sequence and biophysical properties (such as structural, functional, and spatial information, amino acid conservation, physicochemical variation, residue mobility, and thermodynamic stability) has been performed at Invitae for this missense variant, however the output from this modeling did not meet the statistical confidence thresholds required to predict the impact of this variant on HNF1A protein function. For these reasons, this variant has been classified as Pathogenic.

Athena Diagnostics
Classification: Likely pathogenic. Last evaluated: 2023-11-17. Review status: criteria provided, single submitter. Criteria: Athena Diagnostics Criteria. Collection method: clinical testing. Allele origin: unknown. Not counted in ClinVar's aggregate classification.
Comment: This variant has been identified in multiple unrelated individuals with clinical features associated with this gene. This variant has not been reported in large, multi-ethnic general populations. Computational tools predict that this variant is damaging. The variant is located in a region that is considered important for protein function and/or structure.

Geisinger Clinic, Geisinger Health System
Classification: Likely pathogenic for Maturity-onset diabetes of the young type 3. Last evaluated: 2022-08-02. Review status: criteria provided, single submitter. Criteria: ACMG Guidelines, 2015. Collection method: research. Allele origin: germline. Inheritance: Autosomal dominant inheritance. Affected: yes. Observed: 3 variant alleles. Not counted in ClinVar's aggregate classification.
Comment: PS4_moderate, PP3, PP4, PM1_Supporting, PM2

Women's Health and Genetics/Laboratory Corporation of America, LabCorp
Classification: Uncertain significance. Last evaluated: 2021-01-27. Review status: criteria provided, single submitter. Criteria: LabCorp Variant Classification Summary - May 2015. Collection method: clinical testing. Allele origin: germline. Not counted in ClinVar's aggregate classification.
Comment: Variant summary: HNF1A c.626C>A (p.Ala209Glu) results in a non-conservative amino acid change located in the Homeobox domain of the encoded protein sequence. Four of five in-silico tools predict a damaging effect of the variant on protein function. The variant was absent in 251266 control chromosomes. The available data on variant occurrences in the general population are insufficient to allow any conclusion about variant significance. To our knowledge, no occurrence of c.626C>A in individuals affected with Maturity Onset Diabetes Of The Young 3 and no experimental evidence demonstrating its impact on protein function have been reported. One clinical diagnostic laboratory has submitted clinical-significance assessments for this variant to ClinVar after 2014 without evidence for independent evaluation and classified the variant as uncertain significance. Based on the evidence outlined above, the variant was classified as uncertain significance.

Clinical Genomics, Uppaluri K&H Personalized Medicine Clinic
Classification: Uncertain risk allele for Maturity-onset diabetes of the young. Review status: criteria provided, single submitter. Criteria: K & H Uppaluri Personalized Medicine Clinic Variant Classification & Assertion Criteria_Updated V.1. Collection method: research. Allele origin: unknown. Inheritance: Autosomal dominant inheritance. Not counted in ClinVar's aggregate classification.
Comment: Mutations in HNF1A gene can predispose to MODY3. It is associated with both micro and macrovascular complications of diabetes, especially cardiovascular complications. Associated with glucosuria. May respond well to sulfonylureas. However, more evidence is required to confer the association of this particular variant rs1286294151 with MODY3.

Literature cited by the submitters: PubMed 33046911 (cited by Labcorp Genetics (formerly Invitae), Labcorp and Athena Diagnostics); PubMed 36257325 (cited by Athena Diagnostics and Geisinger Clinic, Geisinger Health System); PubMed 31517624 (cited by Clinical Genomics, Uppaluri K&H Personalized Medicine Clinic); PubMed 32395877 (cited by Clinical Genomics, Uppaluri K&H Personalized Medicine Clinic); PubMed 35328643 (cited by Clinical Genomics, Uppaluri K&H Personalized Medicine Clinic); PubMed 35673428 (cited by Clinical Genomics, Uppaluri K&H Personalized Medicine Clinic).

NM_000545.8(HNF1A):c.626C>A (p.Ala209Glu)

Gene: HNF1A (HNF1 homeobox A; plus strand). Cytogenetic location: 12q24.31.
Variant type: single nucleotide variant.
Coding change: c.626C>A on transcript NM_000545.8 (MANE Select); coding-DNA position 626, C replaced by A.
Protein change: p.Ala209Glu; replaces alanine 209 with glutamic acid.
Molecular consequence: missense variant.
Genome position (GRCh38, 1-based): chr12:120,993,619, C>A. VCF-style: chr12-120993619-C-A. GRCh37 (hg19) VCF-style: chr12-121431422-C-A.
Other names: NM_000545.8(HNF1A):c.626C>A; p.Ala209Glu; c.626C>A, p.Ala209Glu (NM_001306179.2); short protein forms A209E.
Identifiers: ClinVar variation 586794 (VCV000586794.22), dbSNP rs1286294151, ClinGen allele CA386964506.